The following is an entry in ClinVar:

NM_001035.3(RYR2):c.10935+3A>C

Gene: RYR2 (ryanodine receptor 2; plus strand). Cytogenetic location: 1q43.
Variant type: single nucleotide variant.
Coding change: c.10935+3A>C on transcript NM_001035.3 (MANE Select); 3 bases into the intron after coding-DNA position 10935, A replaced by C.
Molecular consequence: intron variant.
Genome position (GRCh38, 1-based): chr1:237,730,359, A>C. VCF-style: chr1-237730359-A-C. GRCh37 (hg19) VCF-style: chr1-237893659-A-C.
Identifiers: ClinVar variation 1993577 (VCV001993577.4), dbSNP rs2527043448, ClinGen allele CA2580062407.

ClinVar aggregate classification (germline): Uncertain significance (1 of 4 stars; one submission).

Conditions:
Catecholaminergic polymorphic ventricular tachycardia 1. Also called: VENTRICULAR TACHYCARDIA, CATECHOLAMINERGIC POLYMORPHIC, 1, WITH OR WITHOUT ATRIAL DYSFUNCTION AND/OR DILATED CARDIOMYOPATHY; RYR2-Related Catecholaminergic Polymorphic Ventricular Tachycardia; VENTRICULAR TACHYCARDIA, STRESS-INDUCED POLYMORPHIC 1. Identifiers: Orphanet 3286, MedGen C1631597, MONDO:0011484, OMIM 604772.

Submission:

Labcorp Genetics (formerly Invitae), Labcorp
Classification: Uncertain significance for Catecholaminergic polymorphic ventricular tachycardia 1. Last evaluated: 2022-05-12. Review status: criteria provided, single submitter. Criteria: Invitae Variant Classification Sherloc (09022015). Collection method: clinical testing. Allele origin: germline.
Comment: In summary, the available evidence is currently insufficient to determine the role of this variant in disease. Therefore, it has been classified as a Variant of Uncertain Significance. Variants that disrupt the consensus splice site are a relatively common cause of aberrant splicing (PMID: 17576681, 9536098). Algorithms developed to predict the effect of sequence changes on RNA splicing suggest that this variant may disrupt the consensus splice site. This variant has not been reported in the literature in individuals affected with RYR2-related conditions. This variant is not present in population databases (gnomAD no frequency). This sequence change falls in intron 77 of the RYR2 gene. It does not directly change the encoded amino acid sequence of the RYR2 protein. It affects a nucleotide within the consensus splice site.

Literature cited by the submitters: PubMed 17576681; PubMed 9536098.